The following is an entry in ClinVar:

ClinVar aggregate classification (germline): Conflicting classifications of pathogenicity. Review status: criteria provided, conflicting classifications (1 of 4 stars). 5 submissions from 5 submitters: Uncertain significance (4); Likely benign (1). Last evaluated 2026-07-15.

Conditions:
IFT140-related disorder. Also called: IFT140-related condition.
Retinitis pigmentosa 80 (RP80). Identifiers: MedGen C4540439, MONDO:0054708, OMIM 617781.
Saldino-Mainzer syndrome (SRTD9). Also called: short-rib thoracic dysplasia 9 with or without polydactyly; Renal dysplasia, retinal pigmentary dystrophy, cerebellar ataxia and skeletal dysplasia; CONORENAL SYNDROME; SHORT-RIB THORACIC DYSPLASIA 9 WITHOUT POLYDACTYLY. Identifiers: Orphanet 140969, MedGen C1849437, MONDO:0009964, OMIM 266920.
Inborn genetic diseases. Identifiers: MedGen C0950123, MeSH D030342.

Allele frequency attached by ClinVar (database versions not stated): gnomAD 0.00003; TOPMed 0.00003; gnomAD exomes 0.00004; ExAC 0.00012; 1000 Genomes Project 30x 0.00016; 1000 Genomes Project 0.00060.
gnomAD v4.1: 46 of 1,554,778 alleles (0.003%); highest among the groups gnomAD compares: South Asian, 0.022%; no homozygotes.

Submissions (5):

PreventionGenetics, part of Exact Sciences
Classification: Uncertain significance for IFT140-related condition. Last evaluated: 2026-07-15. Review status: criteria provided, single submitter. Criteria: ACMG Guidelines, 2015. Collection method: clinical testing. Allele origin: germline.
Comment: The IFT140 c.2746G>A variant is predicted to result in the amino acid substitution p.Asp916Asn. To our knowledge, this variant has not been reported in the literature. This variant is reported in 0.017% of alleles in individuals of South Asian descent in gnomAD. At this time, the clinical significance of this variant is uncertain due to the absence of conclusive functional and genetic evidence.

Labcorp Genetics (formerly Invitae), Labcorp
Classification: Likely benign for Saldino-Mainzer syndrome. Last evaluated: 2025-10-21. Review status: criteria provided, single submitter. Criteria: Invitae Variant Classification Sherloc (09022015). Collection method: clinical testing. Allele origin: germline.

Blueprint Genetics
Classification: Uncertain significance. Last evaluated: 2022-07-01. Review status: criteria provided, single submitter. Criteria: ACMG Guidelines, 2015. Collection method: clinical testing. Allele origin: germline.

Fulgent Genetics
Classification: Uncertain significance for Saldino-Mainzer syndrome; Retinitis pigmentosa 80. Last evaluated: 2022-03-15. Review status: criteria provided, single submitter. Criteria: ACMG Guidelines, 2015. Collection method: clinical testing. Allele origin: unknown.

Ambry Genetics
Classification: Uncertain significance for Inborn genetic diseases. Last evaluated: 2022-01-18. Review status: criteria provided, single submitter. Criteria: Ambry Variant Classification Scheme 2023. Collection method: clinical testing. Allele origin: germline.

NM_014714.4(IFT140):c.2746G>A (p.Asp916Asn)

Gene: IFT140 (intraflagellar transport 140; minus strand). Cytogenetic location: 16p13.3.
Variant type: single nucleotide variant.
Coding change: c.2746G>A on transcript NM_014714.4 (MANE Select); coding-DNA position 2746, G replaced by A.
Protein change: p.Asp916Asn; replaces aspartic acid 916 with asparagine.
Molecular consequence: missense variant.
Genome position (GRCh38, 1-based): chr16:1,525,909, C>T on the plus strand (G>A on the coding strand, the complement: IFT140 is on the minus strand). VCF-style: chr16-1525909-C-T. GRCh37 (hg19) VCF-style: chr16-1575910-C-T.
Other names: short protein forms D916N.
Identifiers: ClinVar variation 858444 (VCV000858444.12), dbSNP rs568921640, ClinGen allele CA7813509.